The following is an entry in ClinVar:

ClinVar aggregate classification (germline): Uncertain significance (1 of 4 stars; one submission).

Submission:

Labcorp Genetics (formerly Invitae), Labcorp
Classification: Uncertain significance. Last evaluated: 2021-08-07. Review status: criteria provided, single submitter. Criteria: Invitae Variant Classification Sherloc (09022015). Collection method: clinical testing. Allele origin: germline.
Comment: Algorithms developed to predict the effect of missense changes on protein structure and function are either unavailable or do not agree on the potential impact of this missense change (SIFT: "Deleterious"; PolyPhen-2: "Possibly Damaging"; Align-GVGD: "Class C0"). This sequence change replaces aspartic acid with histidine at codon 791 of the CAD protein (p.Asp791His). The aspartic acid residue is moderately conserved and there is a moderate physicochemical difference between aspartic acid and histidine. This variant is not present in population databases (ExAC no frequency). This variant has not been reported in the literature in individuals affected with CAD-related conditions. In summary, the available evidence is currently insufficient to determine the role of this variant in disease. Therefore, it has been classified as a Variant of Uncertain Significance.

NM_004341.5(CAD):c.2371G>C (p.Asp791His)

Genes: CAD (carbamoyl-phosphate synthetase 2, aspartate transcarbamylase, and dihydroorotase; plus strand), LOC126806171 (BRD4-independent group 4 enhancer GRCh37_chr2:27454350-27455549; plus strand). Cytogenetic location: 2p23.3.
Variant type: single nucleotide variant.
Coding change: c.2371G>C on transcript NM_004341.5 (MANE Select); coding-DNA position 2371, G replaced by C.
Protein change: p.Asp791His; replaces aspartic acid 791 with histidine.
Molecular consequence: missense variant.
Genome position (GRCh38, 1-based): chr2:27,231,551, G>C. VCF-style: chr2-27231551-G-C. GRCh37 (hg19) VCF-style: chr2-27454419-G-C.
Other names: c.2182G>C, p.Asp728His (NM_001306079.2); short protein forms D728H, D791H.
Identifiers: ClinVar variation 1501408 (VCV001501408.6), dbSNP rs2148075521, ClinGen allele CA346210154.
Genomic context (GRCh38, chr2:27,231,551, plus strand): 5'-TCATTTGAGGAGGCCTTCCAGAAGGCCCTGCGCATGGTGGATGAGAACTGTGTGGGCTTT[G>C]ATCACACAGTGAAACCAGTCAGCGATATGGTAAGTAGCTCCCCTCCCCTGGCAATACCCC-3'
Protein context (NP_004332.2, residues 781-801): RMVDENCVGF[Asp791His]HTVKPVSDME